The following is an entry in ClinVar:

NM_001291088.2(WDR87):c.6538C>T (p.Arg2180Trp)

Gene: WDR87 (WD repeat domain 87; minus strand). Cytogenetic location: 19q13.13.
Variant type: single nucleotide variant.
Coding change: c.6538C>T on transcript NM_001291088.2 (MANE Select); coding-DNA position 6538, C replaced by T.
Protein change: p.Arg2180Trp; replaces arginine 2180 with tryptophan.
Molecular consequence: missense variant.
Genome position (GRCh38, 1-based): chr19:37,887,133, G>A on the plus strand (C>T on the coding strand, the complement: WDR87 is on the minus strand). VCF-style: chr19-37887133-G-A. GRCh37 (hg19) VCF-style: chr19-38377773-G-A.
Other names: c.6421C>T, p.Arg2141Trp (NM_031951.5); short protein forms R2180W, R2141W.
Identifiers: ClinVar variation 677289 (VCV000677289.10), dbSNP rs34785154, ClinGen allele CA9408508.

ClinVar aggregate classification (germline): Benign. Review status: criteria provided, multiple submitters, no conflicts (2 of 4 stars). 3 submissions from 3 submitters: Benign (3). Last evaluated 2026-01-27.

Allele frequency attached by ClinVar (database versions not stated): TOPMed 0.28921; ESP Exome Variant Server 0.25318; ExAC 0.26756; 1000 Genomes Project 30x 0.38101.

Submissions (3):

Labcorp Genetics (formerly Invitae), Labcorp
Classification: Benign. Last evaluated: 2026-01-27. Review status: criteria provided, single submitter. Criteria: Invitae Variant Classification Sherloc (09022015). Collection method: clinical testing. Allele origin: germline.

GeneDx
Classification: Benign. Last evaluated: 2018-05-07. Review status: criteria provided, single submitter. Criteria: GeneDx Variant Classification (06012015). Collection method: clinical testing. Allele origin: germline. Affected: yes.
Comment: This variant is considered likely benign or benign based on one or more of the following criteria: it is a conservative change, it occurs at a poorly conserved position in the protein, it is predicted to be benign by multiple in silico algorithms, and/or has population frequency not consistent with disease.

Breakthrough Genomics
Classification: Benign. Review status: criteria provided, single submitter. Criteria: ACMG Guidelines, 2015. Collection method: not provided. Allele origin: germline. Inheritance: Unknown mechanism. Affected: yes.